The following is an entry in ClinVar:

NM_005476.7(GNE):c.4G>T (p.Glu2Ter)

Gene: GNE (glucosamine (UDP-N-acetyl)-2-epimerase/N-acetylmannosamine kinase; minus strand). Cytogenetic location: 9p13.3.
Variant type: single nucleotide variant.
Coding change: c.4G>T on transcript NM_005476.7 (MANE Select); coding-DNA position 4, G replaced by T.
Protein change: p.Glu2Ter; replaces glutamic acid 2 with a stop codon.
Molecular consequence: nonsense. On other transcripts: intron variant (3).
Genome position (GRCh38, 1-based): chr9:36,249,352, C>A on the plus strand (G>T on the coding strand, the complement: GNE is on the minus strand). VCF-style: chr9-36249352-C-A. GRCh37 (hg19) VCF-style: chr9-36249349-C-A.
Other names: c.97G>T, p.Glu33Ter (NM_001128227.3); c.4G>T, p.Glu2Ter (NM_001190383.3, NM_001374797.1); c.-13-2870G>T (NM_001190388.2, NM_001190384.3, NM_001374798.1); short protein forms E33*, E2*.
Identifiers: ClinVar variation 290631 (VCV000290631.20), dbSNP rs886044514, ClinGen allele CA10606854.

ClinVar aggregate classification (germline): Pathogenic/Likely pathogenic. Review status: criteria provided, multiple submitters, no conflicts (2 of 4 stars). 7 submissions from 7 submitters: Pathogenic (4); Likely pathogenic (1). 2 of the submissions do not count toward it. Last evaluated 2025-11-21.

Conditions:
GNE myopathy (NM). Also called: IBM 2; Inclusion body myopathy autosomal recessive; Inclusion body myopathy quadriceps sparing; NONAKA DISTAL MYOPATHY; INCLUSION BODY MYOPATHY, HEREDITARY, AUTOSOMAL RECESSIVE; INCLUSION BODY MYOPATHY 2, AUTOSOMAL RECESSIVE. Identifiers: Orphanet 602, MedGen C1853926, MONDO:0011603, OMIM 605820.
Sialuria. Also called: SIALURIA, FRENCH TYPE; Sialic Acid Storage Disease. Identifiers: Orphanet 3166, MedGen C0342853, MONDO:0010028, OMIM 269921.

Allele frequency attached by ClinVar (database versions not stated): gnomAD below 0.00001 and 0.00001; gnomAD exomes below 0.00001.
gnomAD v4.1: 5 of 1,613,364 alleles (0.00031%); highest among the groups gnomAD compares: South Asian, 0.0044%; no homozygotes.

Submissions (7):

Natera, Inc.
Classification: Pathogenic for Nonaka myopathy. Last evaluated: 2025-11-21. Review status: criteria provided, single submitter. Criteria: Natera Variant Classification Schema (03/2026). Collection method: clinical testing. Allele origin: germline.
Comment: The c.97G>T variant in GNE is a nonsense variant predicted to introduce a stop codon at amino acid 33. This variant is expected to result in nonsense mediated decay, truncation, or a dysfunctional protein product. This variant is rare in the general population with a frequency below the threshold expected for the associated phenotype(s). This variant has been observed in one or more individuals affected with the associated recessive disease, as either homozygous or compound heterozygous with a second variant (PMID: 39213088, 33250842). Given the available evidence, this variant is classified as Pathogenic.

Neuberg Centre For Genomic Medicine, NCGM
Classification: Likely pathogenic for GNE myopathy. Last evaluated: 2023-07-22. Review status: criteria provided, single submitter. Criteria: ACMG Guidelines, 2015. Collection method: clinical testing. Allele origin: germline. Inheritance: Autosomal recessive inheritance. Affected: yes.
Comment: The observed stop gained variant c.4G>Tp.Glu2Ter in the GNE gene has not been reported previously as a pathogenic variant nor as a benign variant, to our knowledge. This variant is reported with the allele frequency 0.0004% in the gnomAD Exomes. It is submitted to ClinVar as Pathogenic/Likely Pathogenic. However study on multiple affected individuals and functional studies on the pathogenicity of the variant is unavailable. This variant is predicted to cause loss of normal protein function either through protein truncation or nonsense-mediated mRNA decay. Loss of function variants have been previously reported to be disease causing Park HJ, et al., 2021. Computational evidence MutationTaster - Disease causing predicts damaging effect on protein structure and function for this variant. For these reasons, this variant has been classified as Likely Pathogenic.

Baylor Genetics
Classification: Pathogenic for GNE myopathy. Last evaluated: 2023-03-18. Review status: criteria provided, single submitter. Criteria: ACMG Guidelines, 2015. Collection method: clinical testing. Allele origin: unknown.

Labcorp Genetics (formerly Invitae), Labcorp
Classification: Pathogenic for Sialuria; GNE myopathy. Last evaluated: 2023-03-09. Review status: criteria provided, single submitter. Criteria: Invitae Variant Classification Sherloc (09022015). Collection method: clinical testing. Allele origin: germline.
Comment: This sequence change creates a premature translational stop signal (p.Glu33*) in the GNE gene. It is expected to result in an absent or disrupted protein product. Loss-of-function variants in GNE are known to be pathogenic (PMID: 24027297). This variant is present in population databases (no rsID available, gnomAD 0.003%). This variant has not been reported in the literature in individuals affected with GNE-related conditions. ClinVar contains an entry for this variant (Variation ID: 290631). For these reasons, this variant has been classified as Pathogenic.

Eurofins Ntd Llc (ga)
Classification: Pathogenic. Last evaluated: 2016-08-23. Review status: criteria provided, single submitter. Criteria: EGL Classification Definitions. Collection method: clinical testing. Allele origin: germline. Observed: 1 variant allele, 1 heterozygote.

Foundation for Research in Genetics and Endocrinology, FRIGE's Institute of Human Genetics
Classification: Pathogenic for GNE myopathy. Last evaluated: 2018-12-04. Review status: no assertion criteria provided. Collection method: clinical testing. Allele origin: germline. Inheritance: Autosomal recessive inheritance. Affected: yes. Observed: 1 compound heterozygote. Not counted in ClinVar's aggregate classification.
Comment: The observed variant c.2179G>A (p.V727M) is a known pathogenic variant found very commonly in Indian patients related to GNE Myopathy, has been observed in compound heterozygous state with the other observed variant c.97G>T (p.E33X), which has not been reported in 1000 Genomes and ExAC databases but its in-silico prediction was found to be pathogenic by PolyPhen-2, MutationTaster2 and SIFT.

Counsyl
Classification: Likely pathogenic for GNE myopathy. Last evaluated: 2016-02-16. Review status: no assertion criteria provided. Collection method: clinical testing. Allele origin: unknown. Not counted in ClinVar's aggregate classification.

Literature cited by the submitters: PubMed 39213088 (cited by Natera, Inc.); PubMed 33250842 (cited by Natera, Inc.); PubMed 24027297 (cited by Labcorp Genetics (formerly Invitae), Labcorp).